The following is an entry in ClinVar:

ClinVar aggregate classification (germline): Likely benign (1 of 4 stars; one submission).

Conditions:
Tuberous sclerosis 2 (TSC2). Identifiers: Orphanet 805, MedGen C1860707, MONDO:0013199, OMIM 613254.

gnomAD v4.1: 4 of 1,567,854 alleles (0.00026%); highest among the groups gnomAD compares: Non-Finnish European, 0.00035%; no homozygotes.

Submission:

Myriad Genetics, Inc.
Classification: Likely benign for Tuberous sclerosis 2. Last evaluated: 2025-06-02. Review status: criteria provided, single submitter. Criteria: Myriad Autosomal Dominant, Autosomal Recessive and X-Linked Classification Criteria (2023). Collection method: clinical testing. Allele origin: unknown.
Comment: This variant is considered likely benign. This variant is intronic and is not expected to impact mRNA splicing.

NM_000548.5(TSC2):c.3884-20C>T

Gene: TSC2 (TSC complex subunit 2; plus strand). Cytogenetic location: 16p13.3.
Variant type: single nucleotide variant.
Coding change: c.3884-20C>T on transcript NM_000548.5 (MANE Select); 20 bases into the intron before coding-DNA position 3884, C replaced by T.
Molecular consequence: intron variant.
Genome position (GRCh38, 1-based): chr16:2,083,675, C>T. VCF-style: chr16-2083675-C-T. GRCh37 (hg19) VCF-style: chr16-2133676-C-T.
Other names: c.2342-20C>T (NM_001406693.1, NM_001406692.1, NM_001406694.1); c.3776-20C>T (NM_001406667.1); c.3773-20C>T (NM_001406668.1); c.3284-20C>T (NM_001406680.1); c.3215-20C>T (NM_001406683.1, NM_001406682.1); c.3083-20C>T (NM_001406687.1, NM_001406688.1); c.2471-20C>T (NM_001406689.1); c.2411-20C>T (NM_001406690.1); and 26 more.
Identifiers: ClinVar variation 4071139 (VCV004071139.1).
Genomic context (GRCh38, chr16:2,083,675, plus strand): 5'-AAGGCTGGTTCTCGGAGGCCACGTCAGGGCCAGGGCCTGGCCCAGCCCCACATCCAGCAG[C>T]CCCGTCTGTGTCCTCCCAGACTCCGCCGTGGTCATGGAGGAGGGAAGTCCGGGCGAGGTT-3'